The following is an entry in ClinVar:

ClinVar aggregate classification (germline): Conflicting classifications of pathogenicity. Review status: criteria provided, conflicting classifications (1 of 4 stars). 2 submissions from 2 submitters: Uncertain significance (1); Likely benign (1). Last evaluated 2025-08-19.

Conditions:
Melanoma-pancreatic cancer syndrome. Identifiers: Orphanet 404560, MedGen C1838547, MONDO:0011713, OMIM 606719. Disease mechanism: loss of function.

Submissions (2):

Myriad Genetics, Inc.
Classification: Likely benign for Melanoma-pancreatic cancer syndrome. Last evaluated: 2025-08-19. Review status: criteria provided, single submitter. Criteria: Myriad Autosomal Dominant, Autosomal Recessive and X-Linked Classification Criteria (2023). Collection method: clinical testing. Allele origin: unknown.
Comment: This variant is considered likely benign. This variant is intronic and is not expected to impact mRNA splicing.

Women's Health and Genetics/Laboratory Corporation of America, LabCorp
Classification: Uncertain significance. Last evaluated: 2017-01-10. Review status: criteria provided, single submitter. Criteria: LabCorp Variant Classification Summary - May 2015. Collection method: clinical testing. Allele origin: germline.
Comment: Variant summary: The CDKN2A c.458-9_458-8delinsT variant involves the alteration of two non-conserved intronic nucleotides. One in silico tool predicts a benign outcome for this variant. 5/5 splice prediction tools predict no significant impact on normal splicing. However, these predictions have yet to be confirmed by functional studies. This variant is absent in 121284 control chromosomes. The variant of interest has not, to our knowledge, been reported in affected individuals via publications and/or reputable databases/clinical diagnostic laboratories; nor evaluated for functional impact by in vivo/vitro studies. Because of the absence of clinical information and the lack of functional studies, the variant is classified as a variant of uncertain significance (VUS) until additional information becomes available.

NM_000077.5(CDKN2A):c.458-9_458-8delinsT

Gene: CDKN2A (cyclin dependent kinase inhibitor 2A; minus strand). Cytogenetic location: 9p21.3.
Variant type: Indel.
Coding change: c.458-9_458-8delinsT on transcript NM_000077.5 (MANE Select); 9 bases into the intron before coding-DNA position 458 through 8 bases into the intron before coding-DNA position 458, CC replaced by T.
Molecular consequence: intron variant.
Genome position (GRCh38, 1-based): chr9:21,968,250-21,968,251, GG replaced by A on the plus strand (CC replaced by T on the coding strand, the reverse complement: CDKN2A is on the minus strand). VCF-style: chr9-21968250-GG-A. GRCh37 (hg19) VCF-style: chr9-21968249-GG-A.
Other names: c.305-9_305-8delinsT (NM_001363763.2); c.*102-9_*102-8delinsT (NM_058195.4); c.*151-9_*151-8delinsT (NM_001195132.2); c.*381-9_*381-8delinsT (NM_058197.5).
Identifiers: ClinVar variation 495537 (VCV000495537.2), dbSNP rs1554653291, ClinGen allele CA658683540.
Genomic context (GRCh38, chr9:21,968,250, plus strand): 5'-CTAAGTTTCCCGAGGTTTCTCAGAGCCTCTCTGGTTCTTTCAATCGGGGATGTCTGCAGA[GG>A]GCAGAAAGAAAACAGGCGTTAGAAACCTGAGGTCAAAGATGTGTGGCACATCCCGCCCTC-3'